The following is an entry in ClinVar:

NM_000492.4(CFTR):c.2279C>G (p.Thr760Arg)

Gene: CFTR (CF transmembrane conductance regulator; plus strand). Cytogenetic location: 7q31.2.
Variant type: single nucleotide variant.
Coding change: c.2279C>G on transcript NM_000492.4 (MANE Select); coding-DNA position 2279, C replaced by G.
Protein change: p.Thr760Arg; replaces threonine 760 with arginine.
Molecular consequence: missense variant.
Genome position (GRCh38, 1-based): chr7:117,592,446, C>G. VCF-style: chr7-117592446-C-G. GRCh37 (hg19) VCF-style: chr7-117232500-C-G.
Other names: short protein forms T760R.
Identifiers: ClinVar variation 4868813 (VCV004868813.1).

ClinVar aggregate classification (germline): Uncertain significance (1 of 4 stars; one submission).

Conditions:
Cystic fibrosis (CF). Also called: MUCOVISCIDOSIS. Identifiers: Orphanet 586, MedGen C0010674, MONDO:0009061, OMIM 219700. Disease mechanism: loss of function.

gnomAD v4.1: 3 of 1,597,602 alleles (0.00019%); highest among the groups gnomAD compares: East Asian, 0.0067%; no homozygotes.

Submission:

Ambry Genetics
Classification: Uncertain significance for Cystic fibrosis. Last evaluated: 2026-03-18. Review status: criteria provided, single submitter. Criteria: Ambry Variant Classification Scheme 2023. Collection method: clinical testing. Allele origin: germline.
Comment: The p.T760R variant (also known as c.2279C>G), located in coding exon 14 of the CFTR gene, results from a C to G substitution at nucleotide position 2279. The threonine at codon 760 is replaced by arginine, an amino acid with similar properties. This amino acid position is not well conserved in available vertebrate species. In addition, the in silico prediction for this alteration is inconclusive. Based on the available evidence, the clinical significance of this variant remains unclear.